The following is an entry in ClinVar:

NM_000352.6(ABCC8):c.1054C>G (p.Leu352Val)

Gene: ABCC8 (ATP binding cassette subfamily C member 8; minus strand). Cytogenetic location: 11p15.1.
Variant type: single nucleotide variant.
Coding change: c.1054C>G on transcript NM_000352.6 (MANE Select); coding-DNA position 1054, C replaced by G.
Protein change: p.Leu352Val; replaces leucine 352 with valine.
Molecular consequence: missense variant. On other transcripts: non-coding transcript variant (1).
Genome position (GRCh38, 1-based): chr11:17,453,241, G>C on the plus strand (C>G on the coding strand, the complement: ABCC8 is on the minus strand). VCF-style: chr11-17453241-G-C. GRCh37 (hg19) VCF-style: chr11-17474788-G-C.
Other names: c.1054C>G, p.Leu352Val (NM_001287174.3, NM_001351295.2); c.1051C>G, p.Leu351Val (NM_001351296.2, NM_001351297.2); short protein forms L352V, L351V.
Identifiers: ClinVar variation 4131660 (VCV004131660.1).

ClinVar aggregate classification (germline): Uncertain significance (1 of 4 stars; one submission).

Conditions:
Inborn genetic diseases. Identifiers: MedGen C0950123, MeSH D030342.

Submission:

Ambry Genetics
Classification: Uncertain significance for Inborn genetic diseases. Last evaluated: 2025-07-15. Review status: criteria provided, single submitter. Criteria: Ambry Variant Classification Scheme 2023. Collection method: clinical testing. Allele origin: germline.
Comment: The p.L352V variant (also known as c.1054C>G), located in coding exon 7 of the ABCC8 gene, results from a C to G substitution at nucleotide position 1054. The leucine at codon 352 is replaced by valine, an amino acid with highly similar properties. This amino acid position is conserved. In addition, the in silico prediction for this alteration is inconclusive. Based on the available evidence, the clinical significance of this variant remains unclear.